The following is an entry in ClinVar:

NM_000552.5(VWF):c.7660del (p.Val2554fs)

Gene: VWF (von Willebrand factor; minus strand). Cytogenetic location: 12p13.31.
Variant type: Deletion.
Coding change: c.7660del on transcript NM_000552.5 (MANE Select); coding-DNA position 7660, one base deleted (G; older notation c.7660delG).
Protein change: p.Val2554fs; shifts the reading frame from valine 2554.
Molecular consequence: frameshift variant.
Genome position (GRCh38, 1-based): chr12:5,969,280, C deleted on the plus strand (G on the coding strand, the reverse complement: VWF is on the minus strand); the first of 2 consecutive C bases (chr12:5,969,280-5,969,281); deleting either gives the same sequence. VCF-style (leftmost placement, unchanged base first): chr12-5969279-AC-A. GRCh37 (hg19) VCF-style: chr12-6078445-AC-A.
Other names: short protein forms V2554fs.
Identifiers: ClinVar variation 2634015 (VCV002634015.2), dbSNP rs2497390162, ClinGen allele CA2695199048.

ClinVar aggregate classification (germline): Likely pathogenic. Review status: criteria provided, multiple submitters, no conflicts (2 of 4 stars). 2 submissions from 2 submitters: Likely pathogenic (2). Last evaluated 2024-12-10.

Conditions:
VWF-related disorder. Also called: VWF-related condition; VWF-related disorders.

Submissions (2):

ARUP Laboratories, Molecular Genetics and Genomics, ARUP Laboratories
Classification: Likely pathogenic. Last evaluated: 2024-12-10. Review status: criteria provided, single submitter. Criteria: ARUP Molecular Germline Variant Investigation Process 2024. Collection method: clinical testing. Allele origin: germline.
Comment: The VWF c.7660del; p.Val2554SerfsTer10 variant, to our knowledge, is not reported in the medical literature but is reported in ClinVar (Variation ID: 2634015). This variant is also absent from the Genome Aggregation Database (v2.1.1), indicating it is not a common polymorphism. This variant causes a frameshift by deleting a single nucleotide, so it is predicted to result in a truncated protein or mRNA subject to nonsense-mediated decay. Based on available information, this variant is considered to be likely pathogenic.

PreventionGenetics, part of Exact Sciences
Classification: Likely pathogenic for VWF-related condition. Last evaluated: 2023-09-25. Review status: criteria provided, single submitter. Criteria: ACMG Guidelines, 2015. Collection method: clinical testing. Allele origin: germline.
Comment: The VWF c.7660delG variant is predicted to result in a frameshift and premature protein termination (p.Val2554Serfs*10). To our knowledge, this variant has not been reported in the literature or in a large population database, indicating this variant is rare. Frameshift variants in VWF are expected to be pathogenic. This variant is interpreted as likely pathogenic.